The following is an entry in ClinVar:

ClinVar aggregate classification (germline): Uncertain significance. Review status: criteria provided, multiple submitters, no conflicts (2 of 4 stars). 2 submissions from 2 submitters: Uncertain significance (2). Last evaluated 2024-05-17.

Conditions:
Retinitis pigmentosa 51 (RP51). Identifiers: Orphanet 791, MedGen C3150715, MONDO:0013274, OMIM 613464.
Bardet-Biedl syndrome 8 (BBS8). Identifiers: Orphanet 110, MedGen C1859566, MONDO:0014436, OMIM 615985.
Bardet-Biedl syndrome (BBS). Identifiers: Orphanet 110, MedGen C0752166, MONDO:0015229.

Allele frequency attached by ClinVar (database versions not stated): ExAC 0.00002.

Submissions (2):

Fulgent Genetics
Classification: Uncertain significance for Retinitis pigmentosa 51; Bardet-Biedl syndrome 8. Last evaluated: 2024-05-17. Review status: criteria provided, single submitter. Criteria: ACMG Guidelines, 2015. Collection method: clinical testing. Allele origin: germline.

Labcorp Genetics (formerly Invitae), Labcorp
Classification: Uncertain significance for Bardet-Biedl syndrome. Last evaluated: 2021-02-26. Review status: criteria provided, single submitter. Criteria: Invitae Variant Classification Sherloc (09022015). Collection method: clinical testing. Allele origin: germline.
Comment: Experimental studies and prediction algorithms are not available or were not evaluated, and the functional significance of this variant is currently unknown. This sequence change affects the initiator methionine of the TTC8 mRNA. The next in-frame methionine is located at codon 5. This variant is present in population databases (rs776086794, ExAC 0.03%). This variant has not been reported in the literature in individuals with TTC8-related conditions. In summary, the available evidence is currently insufficient to determine the role of this variant in disease. Therefore, it has been classified as a Variant of Uncertain Significance.

NM_144596.4(TTC8):c.2T>C (p.Met1Thr)

Gene: TTC8 (tetratricopeptide repeat domain 8; plus strand). Cytogenetic location: 14q31.3.
Variant type: single nucleotide variant.
Coding change: c.2T>C on transcript NM_144596.4 (MANE Select); coding-DNA position 2, T replaced by C.
Protein change: p.Met1Thr; changes the start codon (methionine 1).
Molecular consequence: missense variant, initiator codon variant. On other transcripts: 5 prime UTR variant (2), non-coding transcript variant (1).
Genome position (GRCh38, 1-based): chr14:88,824,709, T>C. VCF-style: chr14-88824709-T-C. GRCh37 (hg19) VCF-style: chr14-89291053-T-C.
Other names: c.2T>C, p.Met1Thr (NM_001288781.1, NM_001366535.2, NM_001366536.2 and 2 more transcripts); c.-561T>C (NM_001288782.1); c.-656T>C (NM_001288783.1); short protein forms M1T.
Identifiers: ClinVar variation 1462648 (VCV001462648.9), dbSNP rs776086794, ClinGen allele CA7302302.